The following is an entry in ClinVar:

ClinVar aggregate classification (germline): Uncertain significance (1 of 4 stars; one submission).

Conditions:
Familial adenomatous polyposis 1 (FAP1). Also called: FAMILIAL ADENOMATOUS POLYPOSIS 1, ATTENUATED; POLYPOSIS, ADENOMATOUS INTESTINAL. Identifiers: MedGen C2713442, MONDO:0021056, OMIM 175100. Disease mechanism: loss of function.

Submission:

Labcorp Genetics (formerly Invitae), Labcorp
Classification: Uncertain significance for Familial adenomatous polyposis 1. Last evaluated: 2023-03-09. Review status: criteria provided, single submitter. Criteria: Invitae Variant Classification Sherloc (09022015). Collection method: clinical testing. Allele origin: germline.
Comment: This sequence change replaces serine, which is neutral and polar, with arginine, which is basic and polar, at codon 384 of the APC protein (p.Ser384Arg). This variant is not present in population databases (gnomAD no frequency). This variant has not been reported in the literature in individuals affected with APC-related conditions. Advanced modeling of protein sequence and biophysical properties (such as structural, functional, and spatial information, amino acid conservation, physicochemical variation, residue mobility, and thermodynamic stability) performed at Invitae indicates that this missense variant is not expected to disrupt APC protein function. In summary, the available evidence is currently insufficient to determine the role of this variant in disease. Therefore, it has been classified as a Variant of Uncertain Significance.

NM_000038.6(APC):c.1150A>C (p.Ser384Arg)

Gene: APC (APC regulator of Wnt signaling pathway; plus strand). Cytogenetic location: 5q22.2.
Variant type: single nucleotide variant.
Coding change: c.1150A>C on transcript NM_000038.6 (MANE Select); coding-DNA position 1150, A replaced by C.
Protein change: p.Ser384Arg; replaces serine 384 with arginine.
Molecular consequence: missense variant. On other transcripts: non-coding transcript variant (2), intron variant (15).
Genome position (GRCh38, 1-based): chr5:112,819,182, A>C. VCF-style: chr5-112819182-A-C. GRCh37 (hg19) VCF-style: chr5-112154879-A-C.
Other names: c.1150A>C, p.Ser384Arg (NM_001127510.3, NM_001354895.2, NM_001354896.2 and 4 more transcripts); c.1096A>C, p.Ser366Arg (NM_001127511.3); c.1180A>C, p.Ser394Arg (NM_001354897.2, NM_001407446.1); c.1075A>C, p.Ser359Arg (NM_001354898.2, NM_001407451.1); c.1066A>C, p.Ser356Arg (NM_001354899.2, NM_001407452.1); c.973A>C, p.Ser325Arg (NM_001354900.2, NM_001354901.2, NM_001407453.1); c.301A>C, p.Ser101Arg (NM_001354906.2, NM_001407470.1); c.85-87A>C (NM_001407472.1, NM_001407471.1); and 5 more; short protein forms S384R, S394R, S356R, S366R, S325R, S101R, S359R.
Identifiers: ClinVar variation 2844378 (VCV002844378.3), dbSNP rs1561541528, ClinGen allele CA16023822.